The following is an entry in ClinVar:

ClinVar aggregate classification (germline): Conflicting classifications of pathogenicity. Review status: criteria provided, conflicting classifications (1 of 4 stars). 4 submissions from 4 submitters: Uncertain significance (1); Likely benign (2). 1 of the submissions does not count toward it. Last evaluated 2025-11-26.

Conditions:
TCF20-related disorder. Also called: TCF20-related condition.
Inborn genetic diseases. Identifiers: MedGen C0950123, MeSH D030342.

Allele frequency attached by ClinVar (database versions not stated): gnomAD 0.00003; ExAC 0.00004; gnomAD exomes 0.00005; ESP Exome Variant Server 0.00008.
gnomAD v4.1: 117 of 1,614,048 alleles (0.0072%); highest among the groups gnomAD compares: Non-Finnish European, 0.0096%; no homozygotes.

Submissions (4):

PreventionGenetics, part of Exact Sciences
Classification: Uncertain significance for TCF20-related condition. Last evaluated: 2025-11-26. Review status: criteria provided, single submitter. Criteria: ACMG Guidelines, 2015. Collection method: clinical testing. Allele origin: germline.
Comment: The TCF20 c.2825T>A variant is predicted to result in the amino acid substitution p.Phe942Tyr. To our knowledge, this variant has not been reported in the literature. This variant is reported in 0.011% of alleles in individuals of European (Non-Finnish) descent in gnomAD. Although we suspect that this variant may be benign, at this time, the clinical significance of this variant is uncertain due to the absence of conclusive functional and genetic evidence.

Labcorp Genetics (formerly Invitae), Labcorp
Classification: Likely benign. Last evaluated: 2025-09-08. Review status: criteria provided, single submitter. Criteria: Invitae Variant Classification Sherloc (09022015). Collection method: clinical testing. Allele origin: germline.

Ambry Genetics
Classification: Likely benign for Inborn genetic diseases. Last evaluated: 2023-02-16. Review status: criteria provided, single submitter. Criteria: Ambry Variant Classification Scheme 2023. Collection method: clinical testing. Allele origin: germline.

Department of Pathology and Laboratory Medicine, Sinai Health System
Classification: Uncertain significance. Review status: no assertion criteria provided. Collection method: clinical testing. Allele origin: unknown. Affected: yes. Study: The Canadian Open Genetics Repository (COGR). Not counted in ClinVar's aggregate classification.

NM_001378418.1(TCF20):c.2825T>A (p.Phe942Tyr)

Gene: TCF20 (transcription factor 20; minus strand). Cytogenetic location: 22q13.2.
Variant type: single nucleotide variant.
Coding change: c.2825T>A on transcript NM_001378418.1 (MANE Select); coding-DNA position 2825, T replaced by A.
Protein change: p.Phe942Tyr; replaces phenylalanine 942 with tyrosine.
Molecular consequence: missense variant.
Genome position (GRCh38, 1-based): chr22:42,212,481, A>T on the plus strand (T>A on the coding strand, the complement: TCF20 is on the minus strand). VCF-style: chr22-42212481-A-T. GRCh37 (hg19) VCF-style: chr22-42608487-A-T.
Other names: c.2825T>A, p.Phe942Tyr (NM_005650.4, NM_181492.3); c.2825T>A (NM_005650.1, NM_005650.3); short protein forms F942Y.
Identifiers: ClinVar variation 1050688 (VCV001050688.5), dbSNP rs377143209, ClinGen allele CA10266951.
Genomic context (GRCh38, chr22:42,212,481, plus strand): 5'-CGGTAAGACTCATGCTTGATGCTAGGAGGATGGCAGTGGTCTCCAGATTTCTTGTTGTTG[A>T]AACTAGCTTGAGATTTAGACTGTTCAAAGTCTTCCTCTTTTATCTGCCCGCTCTGGGATT-3'
Protein context (NP_001365347.1, residues 932-952): DFEQSKSQAS[Phe942Tyr]NNKKSGDHCH